The following is an entry in ClinVar:

NM_177438.3(DICER1):c.2613C>A (p.Asp871Glu)

Gene: DICER1 (dicer 1, ribonuclease III; minus strand). Cytogenetic location: 14q32.13.
Variant type: single nucleotide variant.
Coding change: c.2613C>A on transcript NM_177438.3 (MANE Select); coding-DNA position 2613, C replaced by A.
Protein change: p.Asp871Glu; replaces aspartic acid 871 with glutamic acid.
Molecular consequence: missense variant.
Genome position (GRCh38, 1-based): chr14:95,107,917, G>T on the plus strand (C>A on the coding strand, the complement: DICER1 is on the minus strand). VCF-style: chr14-95107917-G-T. GRCh37 (hg19) VCF-style: chr14-95574254-G-T.
Other names: c.2613C>A (NM_177438.2); c.2613C>A, p.Asp871Glu (NM_001195573.1, NM_001271282.3, NM_001291628.2 and 1 more transcripts); short protein forms D871E.
Identifiers: ClinVar variation 1420021 (VCV001420021.10), dbSNP rs759827733, ClinGen allele CA390881332.

ClinVar aggregate classification (germline): Conflicting classifications of pathogenicity. Review status: criteria provided, conflicting classifications (1 of 4 stars). 3 submissions from 3 submitters: Uncertain significance (2); Likely benign (1). Last evaluated 2024-06-04.

Conditions:
Hereditary cancer-predisposing syndrome. Also called: Tumor predisposition; Hereditary neoplastic syndrome; Neoplastic Syndromes, Hereditary; Hereditary Cancer Syndrome. Identifiers: Orphanet 140162, MedGen C0027672, MeSH D009386, MONDO:0015356.
DICER1-related tumor predisposition. Also called: DICER1-related pleuropulmonary blastoma cancer predisposition syndrome; DICER1 syndrome. Identifiers: Orphanet 284343, MedGen C3839822, MONDO:0100216.

gnomAD v4.1: 3 of 1,613,882 alleles (0.00019%); highest among the groups gnomAD compares: Non-Finnish European, 0.00025%; no homozygotes.

Submissions (3):

Labcorp Genetics (formerly Invitae), Labcorp
Classification: Uncertain significance for DICER1-related tumor predisposition. Last evaluated: 2024-06-04. Review status: criteria provided, single submitter. Criteria: Invitae Variant Classification Sherloc (09022015). Collection method: clinical testing. Allele origin: germline.
Comment: This sequence change replaces aspartic acid, which is acidic and polar, with glutamic acid, which is acidic and polar, at codon 871 of the DICER1 protein (p.Asp871Glu). This variant is not present in population databases (gnomAD no frequency). This variant has not been reported in the literature in individuals affected with DICER1-related conditions. ClinVar contains an entry for this variant (Variation ID: 1420021). Advanced modeling of protein sequence and biophysical properties (such as structural, functional, and spatial information, amino acid conservation, physicochemical variation, residue mobility, and thermodynamic stability) performed at Invitae indicates that this missense variant is not expected to disrupt DICER1 protein function with a negative predictive value of 80%. In summary, the available evidence is currently insufficient to determine the role of this variant in disease. Therefore, it has been classified as a Variant of Uncertain Significance.

Ambry Genetics
Classification: Uncertain significance for Hereditary cancer-predisposing syndrome. Last evaluated: 2024-05-07. Review status: criteria provided, single submitter. Criteria: Ambry Variant Classification Scheme 2023. Collection method: clinical testing. Allele origin: germline.
Comment: The p.D871E variant (also known as c.2613C>A), located in coding exon 15 of the DICER1 gene, results from a C to A substitution at nucleotide position 2613. The aspartic acid at codon 871 is replaced by glutamic acid, an amino acid with highly similar properties. This amino acid position is conserved. In addition, this alteration is predicted to be tolerated by in silico analysis. Based on the available evidence, the clinical significance of this variant remains unclear.

Blueprint Genetics
Classification: Likely benign. Last evaluated: 2022-12-13. Review status: criteria provided, single submitter. Criteria: ACMG Guidelines, 2015. Collection method: clinical testing. Allele origin: germline.